The following is an entry in ClinVar:

ClinVar aggregate classification (germline): Benign/Likely benign. Review status: criteria provided, multiple submitters, no conflicts (2 of 4 stars). 3 submissions from 3 submitters: Benign (1); Likely benign (2). Last evaluated 2026-01-01.

Conditions:
Inborn genetic diseases. Identifiers: MedGen C0950123, MeSH D030342.

Allele frequency attached by ClinVar (database versions not stated): TOPMed 0.00004; gnomAD 0.00007; ExAC 0.00011.
gnomAD v4.1: 105 of 1,558,644 alleles (0.0067%); highest among the groups gnomAD compares: Middle Eastern, 0.034%; no homozygotes.

Submissions (3):

CeGaT Center for Human Genetics Tuebingen
Classification: Likely benign. Last evaluated: 2026-01-01. Review status: criteria provided, single submitter. Criteria: CeGaT Center For Human Genetics Tuebingen Variant Classification Criteria Version 2. Collection method: clinical testing. Allele origin: germline. Affected: yes. Observed: 2 variant alleles.
Comment: AHDC1: BP4, BS2

Labcorp Genetics (formerly Invitae), Labcorp
Classification: Benign. Last evaluated: 2025-11-05. Review status: criteria provided, single submitter. Criteria: Invitae Variant Classification Sherloc (09022015). Collection method: clinical testing. Allele origin: germline.

Ambry Genetics
Classification: Likely benign for Inborn genetic diseases. Last evaluated: 2021-12-06. Review status: criteria provided, single submitter. Criteria: Ambry Variant Classification Scheme 2023. Collection method: clinical testing. Allele origin: germline.

NM_001371928.1(AHDC1):c.1072C>T (p.Pro358Ser)

Gene: AHDC1 (AT-hook DNA binding motif containing 1; minus strand). Cytogenetic location: 1p36.11.
Variant type: single nucleotide variant.
Coding change: c.1072C>T on transcript NM_001371928.1 (MANE Select); coding-DNA position 1072, C replaced by T.
Protein change: p.Pro358Ser; replaces proline 358 with serine.
Molecular consequence: missense variant.
Genome position (GRCh38, 1-based): chr1:27,551,044, G>A on the plus strand (C>T on the coding strand, the complement: AHDC1 is on the minus strand). VCF-style: chr1-27551044-G-A. GRCh37 (hg19) VCF-style: chr1-27877555-G-A.
Other names: c.1072C>T (NM_001029882.2); c.1072C>T, p.Pro358Ser (NM_001029882.3); short protein forms P358S.
Identifiers: ClinVar variation 2193601 (VCV002193601.13), dbSNP rs768630952, ClinGen allele CA716029.